The following is an entry in ClinVar:

ClinVar aggregate classification (germline): Likely pathogenic (1 of 4 stars; one submission).

Conditions:
Congenital myotonia, autosomal recessive form. Also called: BECKER DISEASE; Becker Generalized Myotonia; myotonia congenita, autosomal recessive. Identifiers: Orphanet 614, MedGen C0751360, MONDO:0009715, OMIM 255700.
Congenital myotonia, autosomal dominant form (THD). Also called: THOMSEN DISEASE; Myotonia congenita autosomal dominant. Identifiers: Orphanet 614, MedGen C2936781, MONDO:0008055, OMIM 160800.

Submission:

Labcorp Genetics (formerly Invitae), Labcorp
Classification: Likely pathogenic for Congenital myotonia, autosomal recessive form; Congenital myotonia, autosomal dominant form. Last evaluated: 2023-07-14. Review status: criteria provided, single submitter. Criteria: Invitae Variant Classification Sherloc (09022015). Collection method: clinical testing. Allele origin: germline.
Comment: In summary, the currently available evidence indicates that the variant is pathogenic, but additional data are needed to prove that conclusively. Therefore, this variant has been classified as Likely Pathogenic. This variant disrupts the p.Trp433 amino acid residue in CLCN1. Other variant(s) that disrupt this residue have been determined to be pathogenic (PMID: 18337100). This suggests that this residue is clinically significant, and that variants that disrupt this residue are likely to be disease-causing. Advanced modeling of protein sequence and biophysical properties (such as structural, functional, and spatial information, amino acid conservation, physicochemical variation, residue mobility, and thermodynamic stability) performed at Invitae indicates that this missense variant is expected to disrupt CLCN1 protein function. ClinVar contains an entry for this variant (Variation ID: 2080003). This variant has not been reported in the literature in individuals affected with CLCN1-related conditions. This variant is not present in population databases (gnomAD no frequency). This sequence change replaces tryptophan, which is neutral and slightly polar, with leucine, which is neutral and non-polar, at codon 433 of the CLCN1 protein (p.Trp433Leu).

Literature cited by the submitters: PubMed 18337100.

NM_000083.3(CLCN1):c.1298G>T (p.Trp433Leu)

Gene: CLCN1 (chloride voltage-gated channel 1; plus strand). Cytogenetic location: 7q34.
Variant type: single nucleotide variant.
Coding change: c.1298G>T on transcript NM_000083.3 (MANE Select); coding-DNA position 1298, G replaced by T.
Protein change: p.Trp433Leu; replaces tryptophan 433 with leucine.
Molecular consequence: missense variant.
Genome position (GRCh38, 1-based): chr7:143,332,770, G>T. VCF-style: chr7-143332770-G-T. GRCh37 (hg19) VCF-style: chr7-143029863-G-T.
Other names: short protein forms W433L.
Identifiers: ClinVar variation 2080003 (VCV002080003.4), dbSNP rs1486868849, ClinGen allele CA369643971.